The following is an entry in ClinVar:

NM_001041.4(SI):c.4825C>T (p.Arg1609Ter)

Gene: SI (sucrase-isomaltase; minus strand). Cytogenetic location: 3q26.1.
Variant type: single nucleotide variant.
Coding change: c.4825C>T on transcript NM_001041.4 (MANE Select); coding-DNA position 4825, C replaced by T.
Protein change: p.Arg1609Ter; replaces arginine 1609 with a stop codon.
Molecular consequence: nonsense.
Genome position (GRCh38, 1-based): chr3:164,994,273, G>A on the plus strand (C>T on the coding strand, the complement: SI is on the minus strand). VCF-style: chr3-164994273-G-A. GRCh37 (hg19) VCF-style: chr3-164712061-G-A.
Other names: short protein forms R1609*.
Identifiers: ClinVar variation 984937 (VCV000984937.9), dbSNP rs200328403, ClinGen allele CA2689782.

ClinVar aggregate classification (germline): Pathogenic/Likely pathogenic. Review status: criteria provided, multiple submitters, no conflicts (2 of 4 stars). 3 submissions from 3 submitters: Pathogenic (1); Likely pathogenic (2). Last evaluated 2025-08-20.

Conditions:
Sucrase-isomaltase deficiency (CSID). Also called: Deficiency of isomaltase; Congenital sucrose isomaltose malabsorption; Sucrose isomaltose enzyme deficiency; SI DEFICIENCY. Identifiers: Orphanet 35122, MedGen C1283620, MONDO:0009114, OMIM 222900.

Allele frequency attached by ClinVar (database versions not stated): ExAC 0.00003; gnomAD 0.00003; gnomAD exomes 0.00005 and 0.00006; TOPMed 0.00005.
gnomAD v4.1: 92 of 1,610,482 alleles (0.0057%); highest among the groups gnomAD compares: Middle Eastern, 0.017%; no homozygotes.

Submissions (3):

Labcorp Genetics (formerly Invitae), Labcorp
Classification: Pathogenic. Last evaluated: 2025-08-20. Review status: criteria provided, single submitter. Criteria: Invitae Variant Classification Sherloc (09022015). Collection method: clinical testing. Allele origin: germline.
Comment: This sequence change creates a premature translational stop signal (p.Arg1609*) in the SI gene. It is expected to result in an absent or disrupted protein product. Loss-of-function variants in SI are known to be pathogenic (PMID: 16329100, 23103650, 25452324). This variant is present in population databases (rs200328403, gnomAD 0.008%). This premature translational stop signal has been observed in individual(s) with sucrase-isomaltase deficiency (PMID: 36007526). ClinVar contains an entry for this variant (Variation ID: 984937). For these reasons, this variant has been classified as Pathogenic.

Fulgent Genetics
Classification: Likely pathogenic for Sucrase-isomaltase deficiency. Last evaluated: 2024-06-19. Review status: criteria provided, single submitter. Criteria: ACMG Guidelines, 2015. Collection method: clinical testing. Allele origin: germline.

Rady Children's Institute for Genomic Medicine, Rady Children's Hospital San Diego
Classification: Likely pathogenic for SUCRASE-ISOMALTASE DEFICIENCY, CONGENITAL. Review status: criteria provided, single submitter. Criteria: ACMG Guidelines, 2015. Collection method: clinical testing. Allele origin: germline. Affected: yes.
Comment: This nonsense variant in exon 41 of 48 of the SI gene is predicted to result in loss of normal protein function through either protein truncation or nonsense-mediated mRNA decay (NMD). This variant has not been previously reported or functionally characterized in the literature to our knowledge. It is present in the heterozygous state in the gnomAD population database at a frequency of 0.005% (15/281338) and is absent in the homozygous state, thus is presumed to be rare. Based on the available evidence, the c.4825C>T (p.Arg1609Ter) variant is classified as Likely Pathogenic.

Literature cited by the submitters: PubMed 16329100 (cited by Labcorp Genetics (formerly Invitae), Labcorp); PubMed 23103650 (cited by Labcorp Genetics (formerly Invitae), Labcorp); PubMed 25452324 (cited by Labcorp Genetics (formerly Invitae), Labcorp); PubMed 36007526 (cited by Labcorp Genetics (formerly Invitae), Labcorp).